The following is an entry in ClinVar:

ClinVar aggregate classification (germline): Uncertain significance (1 of 4 stars; one submission).

gnomAD v4.1: 3 of 1,613,108 alleles (0.00019%); highest among the groups gnomAD compares: Non-Finnish European, 0.00025%; no homozygotes.

Submission:

Labcorp Genetics (formerly Invitae), Labcorp
Classification: Uncertain significance. Last evaluated: 2022-08-23. Review status: criteria provided, single submitter. Criteria: Invitae Variant Classification Sherloc (09022015). Collection method: clinical testing. Allele origin: germline.
Comment: In summary, the available evidence is currently insufficient to determine the role of this variant in disease. Therefore, it has been classified as a Variant of Uncertain Significance. Algorithms developed to predict the effect of missense changes on protein structure and function are either unavailable or do not agree on the potential impact of this missense change (SIFT: "Tolerated"; PolyPhen-2: "Probably Damaging"; Align-GVGD: "Class C0"). ClinVar contains an entry for this variant (Variation ID: 1364484). This variant has not been reported in the literature in individuals affected with TBCD-related conditions. This variant is not present in population databases (gnomAD no frequency). This sequence change replaces glycine, which is neutral and non-polar, with arginine, which is basic and polar, at codon 1103 of the TBCD protein (p.Gly1103Arg).

NM_005993.5(TBCD):c.3307G>C (p.Gly1103Arg)

Gene: TBCD (tubulin folding cofactor D). Cytogenetic location: 17q25.3.
Variant type: single nucleotide variant.
Coding change: c.3307G>C on transcript NM_005993.5 (MANE Select); coding-DNA position 3307, G replaced by C.
Protein change: p.Gly1103Arg; replaces glycine 1103 with arginine.
Molecular consequence: missense variant.
Genome position (GRCh38, 1-based): chr17:82,938,074, G>C. VCF-style: chr17-82938074-G-C. GRCh37 (hg19) VCF-style: chr17-80895950-G-C.
Other names: short protein forms G1103R.
Identifiers: ClinVar variation 1364484 (VCV001364484.6), dbSNP rs772606107, ClinGen allele CA401636081.